The following is an entry in ClinVar:

ClinVar aggregate classification (germline): Uncertain significance (1 of 4 stars; one submission).

Submission:

GeneDx
Classification: Uncertain significance. Last evaluated: 2016-05-26. Review status: criteria provided, single submitter. Criteria: GeneDx Variant Classification (06012015). Collection method: clinical testing. Allele origin: germline. Affected: yes.
Comment: The G130S variant has not been published as a pathogenic variant, nor has it been reported as a benign variant to our knowledge. It was not observed in approximately 6,500 individuals of European and African American ancestry in the NHLBI Exome Sequencing Project, indicating it is not a common benign variant in these populations. The G130S variant is a non-conservative amino acid substitution, which is likely to impact secondary protein structure as these residues differ in polarity, charge, size and/or other properties. This substitution occurs at a position that is conserved across species. In silico analysis predicts this variant is probably damaging to the protein structure/function. Therefore, based on the currently available information, it is unclear whether this variant is a pathogenic variant or a rare benign variant.

NM_001136472.2(LITAF):c.388G>A (p.Gly130Ser)

Gene: LITAF (lipopolysaccharide induced TNF factor; minus strand). Cytogenetic location: 16p13.13.
Variant type: single nucleotide variant.
Coding change: c.388G>A on transcript NM_001136472.2 (MANE Select); coding-DNA position 388, G replaced by A.
Protein change: p.Gly130Ser; replaces glycine 130 with serine.
Molecular consequence: missense variant. On other transcripts: 3 prime UTR variant (1), non-coding transcript variant (1).
Genome position (GRCh38, 1-based): chr16:11,549,735, C>T on the plus strand (G>A on the coding strand, the complement: LITAF is on the minus strand). VCF-style: chr16-11549735-C-T. GRCh37 (hg19) VCF-style: chr16-11643591-C-T.
Other names: c.*27G>A (NM_001136473.1); c.388G>A, p.Gly130Ser (NM_004862.4); short protein forms G130S.
Identifiers: ClinVar variation 246593 (VCV000246593.2), dbSNP rs879254325, ClinGen allele CA10584498.